The following is an entry in ClinVar:

ClinVar aggregate classification (germline): Uncertain significance (1 of 4 stars; one submission).

Conditions:
Neuropathy, hereditary sensory and autonomic, type 2A (HSAN2A). Also called: ACROOSTEOLYSIS, GIACCAI TYPE; ACROOSTEOLYSIS, NEUROGENIC; MORVAN DISEASE; NEUROPATHY, CONGENITAL SENSORY; NEUROPATHY, HEREDITARY SENSORY RADICULAR, AUTOSOMAL RECESSIVE; NEUROPATHY, HEREDITARY SENSORY, TYPE IIA. Identifiers: Orphanet 970, MedGen C2752089, MONDO:0024309, OMIM 201300.
Pseudohypoaldosteronism type 2C (PHA2C). Also called: Pseudohypoaldosteronism Type IIC. Identifiers: Orphanet 757, Orphanet 88940, MedGen C1840391, MONDO:0013778, OMIM 614492.

Submission:

Labcorp Genetics (formerly Invitae), Labcorp
Classification: Uncertain significance for Neuropathy, hereditary sensory and autonomic, type 2A; Pseudohypoaldosteronism type 2C. Last evaluated: 2022-04-16. Review status: criteria provided, single submitter. Criteria: Invitae Variant Classification Sherloc (09022015). Collection method: clinical testing. Allele origin: germline.
Comment: In summary, the available evidence is currently insufficient to determine the role of this variant in disease. Therefore, it has been classified as a Variant of Uncertain Significance. Advanced modeling of protein sequence and biophysical properties (such as structural, functional, and spatial information, amino acid conservation, physicochemical variation, residue mobility, and thermodynamic stability) performed at Invitae indicates that this missense variant is not expected to disrupt WNK1 protein function. This variant has not been reported in the literature in individuals affected with WNK1-related conditions. This variant is not present in population databases (gnomAD no frequency). This sequence change replaces glutamine, which is neutral and polar, with glutamic acid, which is acidic and polar, at codon 854 of the WNK1 protein (p.Gln854Glu).

NM_213655.5(WNK1):c.2560C>G (p.Gln854Glu)

Gene: WNK1 (WNK lysine deficient protein kinase 1; plus strand). Cytogenetic location: 12p13.33.
Variant type: single nucleotide variant.
Coding change: c.2560C>G on transcript NM_213655.5 (MANE Plus Clinical); coding-DNA position 2560, C replaced by G.
Protein change: p.Gln854Glu; replaces glutamine 854 with glutamic acid.
Molecular consequence: missense variant. On other transcripts: intron variant (2).
Genome position (GRCh38, 1-based): chr12:868,031, C>G. VCF-style: chr12-868031-C-G. GRCh37 (hg19) VCF-style: chr12-977197-C-G.
Other names: c.2305C>G, p.Gln769Glu (NM_001184985.2); c.2140-3234C>G (NM_018979.4, NM_014823.3); short protein forms Q769E, Q854E.
Identifiers: ClinVar variation 2126848 (VCV002126848.4), dbSNP rs2548782236, ClinGen allele CA383339139.